The following is an entry in ClinVar:

ClinVar aggregate classification (germline): Uncertain significance (1 of 4 stars; one submission).

gnomAD v4.1: 6 of 1,561,344 alleles (0.00038%); highest among the groups gnomAD compares: African/African-American, 0.0027%; no homozygotes.

Submission:

GeneDx
Classification: Uncertain significance. Last evaluated: 2025-02-19. Review status: criteria provided, single submitter. Criteria: GeneDx Variant Classification Process June 2021. Collection method: clinical testing. Allele origin: germline. Affected: yes.
Comment: Has not been previously published as pathogenic or benign to our knowledge; In silico analysis indicates that this variant does not alter splicing; Reported using an alternate transcript of the gene

NM_000719.7(CACNA1C):c.5444+625A>G

Genes: CACNA1C (calcium voltage-gated channel subunit alpha1 C; plus strand), CACNA1C-AS1 (CACNA1C antisense RNA 1; minus strand). Cytogenetic location: 12p13.33.
Variant type: single nucleotide variant.
Coding change: c.5444+625A>G on transcript NM_000719.7 (MANE Select); 625 bases into the intron after coding-DNA position 5444, A replaced by G.
Molecular consequence: intron variant. On other transcripts: missense variant (1).
Genome position (GRCh38, 1-based): chr12:2,680,421, A>G. VCF-style: chr12-2680421-A-G. GRCh37 (hg19) VCF-style: chr12-2789587-A-G.
Other names: c.5470A>G, p.Arg1824Gly (NM_001167625.2); c.5444+625A>G (NM_001167624.3, NM_001167623.2, NM_001129840.2 and 4 more transcripts); c.5588+625A>G (NM_199460.4, NM_001129827.2); c.5504+625A>G (NM_001129832.2); c.5528+625A>G (NM_001129831.2); c.5501+625A>G (NM_001129833.2, NM_001129834.2, NM_001129835.2); c.5567+625A>G (NM_001129829.2); c.5468+625A>G (NM_001129837.2, NM_001129838.2); and 4 more; short protein forms R1824G.
Identifiers: ClinVar variation 4076642 (VCV004076642.1).